The following is an entry in ClinVar:

ClinVar aggregate classification (germline): Uncertain significance (1 of 4 stars; one submission).

Submission:

Labcorp Genetics (formerly Invitae), Labcorp
Classification: Uncertain significance. Last evaluated: 2024-08-18. Review status: criteria provided, single submitter. Criteria: Invitae Variant Classification Sherloc (09022015). Collection method: clinical testing. Allele origin: germline.
Comment: This sequence change replaces isoleucine, which is neutral and non-polar, with phenylalanine, which is neutral and non-polar, at codon 388 of the RORB protein (p.Ile388Phe). This variant is not present in population databases (gnomAD no frequency). This missense change has been observed in individual(s) with RORB-related conditions (PMID: 32162308). An algorithm developed to predict the effect of missense changes on protein structure and function (PolyPhen-2) suggests that this variant is likely to be tolerated. In summary, the available evidence is currently insufficient to determine the role of this variant in disease. Therefore, it has been classified as a Variant of Uncertain Significance.

Literature cited by the submitters: PubMed 32162308.

NM_006914.4(RORB):c.1162A>T (p.Ile388Phe)

Gene: RORB (RAR related orphan receptor B; plus strand). Cytogenetic location: 9q21.13.
Variant type: single nucleotide variant.
Coding change: c.1162A>T on transcript NM_006914.4 (MANE Select); coding-DNA position 1162, A replaced by T.
Protein change: p.Ile388Phe; replaces isoleucine 388 with phenylalanine.
Molecular consequence: missense variant.
Genome position (GRCh38, 1-based): chr9:74,671,839, A>T. VCF-style: chr9-74671839-A-T. GRCh37 (hg19) VCF-style: chr9-77286755-A-T.
Other names: c.1195A>T, p.Ile399Phe (NM_001365023.1); short protein forms I388F, I399F.
Identifiers: ClinVar variation 3613672 (VCV003613672.2).